The following is an entry in ClinVar:

NM_018834.6(MATR3):c.-178+229_-178+230insAA

Gene: MATR3 (matrin 3; plus strand). Cytogenetic location: 5q31.2.
Variant type: Insertion.
Coding change: c.-178+229_-178+230insAA on transcript NM_018834.6 (MANE Select); bases 229 to 230 of the intron after 178 bases upstream of the start codon, AA inserted.
Molecular consequence: intron variant. On other transcripts: 5 prime UTR variant (5).
Genome position: GRCh38 VCF-style: chr5-139294034-C-CAA. GRCh37 (hg19) VCF-style: chr5-138629723-C-CAA.
Other names: c.-1141_-1140insAA (NM_001400445.1); c.-760_-759insAA (NM_001400457.1); c.-764_-763insAA (NM_001400458.1); c.-1066_-1065insAA (NM_001400466.1); c.-1004_-1003insAA (NM_001400467.1); c.-178+459_-178+460insAA (NM_001400451.1, NM_001400455.1, NM_001400452.1 and 3 more transcripts); c.-177-13205_-177-13204insAA (NM_001400450.1, NM_001400441.1, NM_001400454.1 and 5 more transcripts); c.51+13976_51+13977insAA (NM_001400459.1); and 7 more.
Identifiers: ClinVar variation 3352357 (VCV003352357.1).

ClinVar aggregate classification (germline): Likely benign (0 of 4 stars; one submission).

Conditions:
MATR3-related disorder. Also called: MATR3-related condition.

Submission:

PreventionGenetics, part of Exact Sciences
Classification: Likely benign for MATR3-related condition. Last evaluated: 2024-05-27. Review status: no assertion criteria provided. Collection method: clinical testing. Allele origin: germline.
Comment: This variant is classified as likely benign based on ACMG/AMP sequence variant interpretation guidelines (Richards et al. 2015 PMID: 25741868, with internal and published modifications).